The following is an entry in ClinVar:

NM_007294.4(BRCA1):c.1669_1670delinsT (p.Lys556_Thr557insTer)

Gene: BRCA1 (BRCA1 DNA repair associated; minus strand). Cytogenetic location: 17q21.31.
Variant type: Indel.
Coding change: c.1669_1670delinsT on transcript NM_007294.4 (MANE Select); coding-DNA positions 1669 to 1670, AC replaced by T.
Protein change: p.Lys556_Thr557insTer.
Molecular consequence: nonsense. On other transcripts: intron variant (137).
Genome position (GRCh38, 1-based): chr17:43,093,861-43,093,862, GT replaced by A on the plus strand (AC replaced by T on the coding strand, the reverse complement: BRCA1 is on the minus strand). VCF-style: chr17-43093861-GT-A. GRCh37 (hg19) VCF-style: chr17-41245878-GT-A.
Other names: c.784+882_784+883delinsT (NM_001408400.1, NM_001408392.1, NM_001407986.1 and 13 more transcripts); c.664+882_664+883delinsT (NM_001408441.1, NM_001408437.1, NM_001408429.1 and 12 more transcripts); c.787+882_787+883delinsT (NM_001407979.1, NM_001407981.1, NM_007298.4 and 19 more transcripts); c.1456_1457delinsT, p.Lys485_Thr486insTer (NM_001407571.1, NM_001407853.1, NM_001407894.1 and 9 more transcripts); c.1669_1670delinsT, p.Lys556_Thr557insTer (NM_001407581.1, NM_001407582.1, NM_001407583.1 and 30 more transcripts); c.1666_1667delinsT, p.Lys555_Thr556insTer (NM_001407587.1, NM_001407590.1, NM_001407591.1 and 22 more transcripts); c.1402_1403delinsT, p.Lys467_Thr468insTer (NM_001407932.1, NM_001407934.1, NM_001407936.1 and 2 more transcripts); c.1405_1406delinsT, p.Lys468_Thr469insTer (NM_001407933.1, NM_001407935.1, NM_001407922.1 and 9 more transcripts); and 40 more.
Identifiers: ClinVar variation 2583830 (VCV002583830.2), dbSNP rs2552200470, ClinGen allele CA2582342179.
Genomic context (GRCh38, chr17:43,093,861, plus strand): 5'-TCTTTTTCGAGTGATTCTATTGGGTTAGGATTTTTCTCATTCTGAATAGAATCACCTTTT[GT>A]TTTATTCTCATGACCACTATTAGTAATATTCATCACTTGACCATTCTGCTCCGTTTGGTT-3'

ClinVar aggregate classification (germline): Pathogenic (1 of 4 stars; one submission).

Conditions:
Breast-ovarian cancer, familial, susceptibility to, 1 (BROVCA1). Also called: BRCA1 Hereditary Breast and Ovarian Cancer; OVARIAN CANCER, SUSCEPTIBILITY TO. Identifiers: Orphanet 145, MedGen C2676676, MONDO:0011450, OMIM 604370. Disease mechanism: loss of function.

Submission:

Myriad Genetics, Inc.
Classification: Pathogenic for Breast-ovarian cancer, familial, susceptibility to, 1. Last evaluated: 2023-05-24. Review status: criteria provided, single submitter. Criteria: Myriad Autosomal Dominant, Autosomal Recessive and X-Linked Classification Criteria (2023). Collection method: clinical testing. Allele origin: unknown.
Comment: This variant is considered pathogenic. This variant creates a termination codon and is predicted to result in premature protein truncation.